The following is an entry in ClinVar:

ClinVar aggregate classification (germline): Benign. Review status: criteria provided, multiple submitters, no conflicts (2 of 4 stars). 3 submissions from 3 submitters: Benign (2). 1 of the submissions does not count toward it. Last evaluated 2018-10-09.

Conditions:
PTPRM-related disorder. Also called: PTPRM-related condition.

Allele frequency attached by ClinVar (database versions not stated): gnomAD 0.01528 and 0.01662; ESP Exome Variant Server 0.01822; gnomAD exomes 0.00155 and 0.00407; 1000 Genomes Project 30x 0.01327; ExAC 0.00512; 1000 Genomes Project 0.01178; TOPMed 0.01776.
gnomAD v4.1: 4,651 of 1,613,910 alleles (0.29%); highest among the groups gnomAD compares: African/African-American, 5.5%; 117 homozygotes.

Submissions (3):

Labcorp Genetics (formerly Invitae), Labcorp
Classification: Benign. Last evaluated: 2018-10-09. Review status: criteria provided, single submitter. Criteria: Invitae Variant Classification Sherloc (09022015). Collection method: clinical testing. Allele origin: germline.

Breakthrough Genomics
Classification: Benign. Review status: criteria provided, single submitter. Criteria: ACMG Guidelines, 2015. Collection method: not provided. Allele origin: germline. Inheritance: Unknown mechanism. Affected: yes.

PreventionGenetics, part of Exact Sciences
Classification: Benign for PTPRM-related condition. Last evaluated: 2019-04-01. Review status: no assertion criteria provided. Collection method: clinical testing. Allele origin: germline. Not counted in ClinVar's aggregate classification.
Comment: This variant is classified as benign based on ACMG/AMP sequence variant interpretation guidelines (Richards et al. 2015 PMID: 25741868, with internal and published modifications).

NM_001105244.2(PTPRM):c.2244G>A (p.Ala748=)

Gene: PTPRM (protein tyrosine phosphatase receptor type M; plus strand). Cytogenetic location: 18p11.23.
Variant type: single nucleotide variant.
Coding change: c.2244G>A on transcript NM_001105244.2 (MANE Select); coding-DNA position 2244, G replaced by A.
Protein change: p.Ala748=; no amino-acid change (alanine 748 retained).
Molecular consequence: synonymous variant.
Genome position (GRCh38, 1-based): chr18:8,143,723, G>A. VCF-style: chr18-8143723-G-A. GRCh37 (hg19) VCF-style: chr18-8143721-G-A.
Other names: c.1605G>A, p.Ala535= (NM_001378142.1, NM_001378143.1, NM_001378146.1); c.1680G>A, p.Ala560= (NM_001378144.1, NM_001378145.1, NM_001378147.1); c.2244G>A, p.Ala748= (NM_002845.4).
Identifiers: ClinVar variation 786336 (VCV000786336.6), dbSNP rs34073660, ClinGen allele CA8884313.
Genomic context (GRCh38, chr18:8,143,723, plus strand): 5'-ACCAGTCCCAGAACCCGAGAAACAGACAGACCATACAGTTAAAATTGCTGGAGTCATCGC[G>A]GGCATCTTGCTGTTCGTGATTATATTTCTTGGAGTTGTGTTGGTAATGAAGAAAAGGTGA-3'
Protein context (NP_001098714.1, residues 738-758): DHTVKIAGVI[Ala748=]GILLFVIIFL